The following is an entry in ClinVar:

ClinVar aggregate classification (germline): Uncertain significance. Review status: criteria provided, multiple submitters, no conflicts (2 of 4 stars). 2 submissions from 2 submitters: Uncertain significance (2). Last evaluated 2022-08-23.

Conditions:
Inborn genetic diseases. Identifiers: MedGen C0950123, MeSH D030342.
Pitt-Hopkins syndrome (PTHS). Also called: ENCEPHALOPATHY, SEVERE EPILEPTIC, WITH AUTONOMIC DYSFUNCTION; MENTAL RETARDATION, SYNDROMAL, WITH INTERMITTENT HYPERVENTILATION. Identifiers: Orphanet 2896, MedGen C1970431, MONDO:0012589, OMIM 610954.

Allele frequency attached by ClinVar (database versions not stated): gnomAD exomes below 0.00001; gnomAD 0.00001.
gnomAD v4.1: 2 of 1,614,108 alleles (0.00012%); highest among the groups gnomAD compares: East Asian, 0.0045%; no homozygotes.

Submissions (2):

Labcorp Genetics (formerly Invitae), Labcorp
Classification: Uncertain significance for Pitt-Hopkins syndrome. Last evaluated: 2022-08-23. Review status: criteria provided, single submitter. Criteria: Invitae Variant Classification Sherloc (09022015). Collection method: clinical testing. Allele origin: germline.
Comment: ClinVar contains an entry for this variant (Variation ID: 589812). This sequence change replaces lysine, which is basic and polar, with arginine, which is basic and polar, at codon 533 of the TCF4 protein (p.Lys533Arg). This variant is not present in population databases (gnomAD no frequency). This variant has not been reported in the literature in individuals affected with TCF4-related conditions. Algorithms developed to predict the effect of missense changes on protein structure and function are either unavailable or do not agree on the potential impact of this missense change (SIFT: "Tolerated"; PolyPhen-2: "Possibly Damaging"; Align-GVGD: "Class C0"). In summary, the available evidence is currently insufficient to determine the role of this variant in disease. Therefore, it has been classified as a Variant of Uncertain Significance.

Ambry Genetics
Classification: Uncertain significance for Inborn genetic diseases. Last evaluated: 2017-10-12. Review status: criteria provided, single submitter. Criteria: Ambry Variant Classification Scheme 2023. Collection method: clinical testing. Allele origin: germline.
Comment: The p.K533R variant (also known as c.1598A>G), located in coding exon 16 of the TCF4 gene, results from an A to G substitution at nucleotide position 1598. The lysine at codon 533 is replaced by arginine, an amino acid with highly similar properties. This amino acid position is highly conserved in available vertebrate species. In addition, this alteration is predicted to be tolerated by in silico analysis. Since supporting evidence is limited at this time, the clinical significance of this alteration remains unclear.

NM_001083962.2(TCF4):c.1598A>G (p.Lys533Arg)

Gene: TCF4 (transcription factor 4; minus strand). Cytogenetic location: 18q21.2.
Variant type: single nucleotide variant.
Coding change: c.1598A>G on transcript NM_001083962.2 (MANE Select); coding-DNA position 1598, A replaced by G.
Protein change: p.Lys533Arg; replaces lysine 533 with arginine.
Molecular consequence: missense variant.
Genome position (GRCh38, 1-based): chr18:55,232,560, T>C on the plus strand (A>G on the coding strand, the complement: TCF4 is on the minus strand). VCF-style: chr18-55232560-T-C. GRCh37 (hg19) VCF-style: chr18-52899791-T-C.
Other names: c.1904A>G, p.Lys635Arg (NM_001243226.3); c.1526A>G, p.Lys509Arg (NM_001243227.2, NM_001348217.1, NM_001348218.2 and 5 more transcripts); c.1616A>G, p.Lys539Arg (NM_001243228.2); c.1589A>G, p.Lys530Arg (NM_001243230.2); c.1472A>G, p.Lys491Arg (NM_001243231.2, NM_001348211.2); c.1385A>G, p.Lys462Arg (NM_001243232.1, NM_001306208.1); c.1208A>G, p.Lys403Arg (NM_001243233.2, NM_001330605.3, NM_001348212.2 and 1 more transcripts); c.1118A>G, p.Lys373Arg (NM_001243234.2, NM_001348216.2, NM_001243235.2 and 1 more transcripts); and 6 more; short protein forms K533R, K373R, K491R, K532R, K539R, K403R, K462R, K508R.
Identifiers: ClinVar variation 589812 (VCV000589812.13), dbSNP rs1568329915, ClinGen allele CA402529934.